The following is an entry in ClinVar:

ClinVar aggregate classification (germline): Uncertain significance (1 of 4 stars; one submission).

Conditions:
NSD1-related disorder. Also called: NSD1-related condition.

Submission:

PreventionGenetics, part of Exact Sciences
Classification: Uncertain significance for NSD1-related condition. Last evaluated: 2025-12-08. Review status: criteria provided, single submitter. Criteria: ACMG Guidelines, 2015. Collection method: clinical testing. Allele origin: germline.
Comment: The NSD1 c.2695A>G variant is predicted to result in the amino acid substitution p.Ile899Val. To our knowledge, this variant has not been reported in the literature. This variant is reported in 0.00088% of alleles in individuals of European (Non-Finnish) descent in gnomAD. At this time, the clinical significance of this variant is uncertain due to the absence of conclusive functional and genetic evidence.

NM_022455.5(NSD1):c.2695A>G (p.Ile899Val)

Gene: NSD1 (nuclear receptor binding SET domain protein 1; plus strand). Cytogenetic location: 5q35.3.
Variant type: single nucleotide variant.
Coding change: c.2695A>G on transcript NM_022455.5 (MANE Select); coding-DNA position 2695, A replaced by G.
Protein change: p.Ile899Val; replaces isoleucine 899 with valine.
Molecular consequence: missense variant.
Genome position (GRCh38, 1-based): chr5:177,211,094, A>G. VCF-style: chr5-177211094-A-G. GRCh37 (hg19) VCF-style: chr5-176638095-A-G.
Other names: c.1822A>G, p.Ile608Val (NM_001365684.2, NM_001409306.1, NM_001409307.1 and 3 more transcripts); c.2695A>G, p.Ile899Val (NM_001409301.1, NM_001409302.1, NM_001409303.1); c.2275A>G, p.Ile759Val (NM_001409304.1); c.1942A>G, p.Ile648Val (NM_001409305.1); short protein forms I759V, I608V, I648V, I899V.
Identifiers: ClinVar variation 4985595 (VCV004985595.1).